The following is an entry in ClinVar:

NM_182961.4(SYNE1):c.26153+5C>T

Gene: SYNE1 (spectrin repeat containing nuclear envelope protein 1; minus strand). Cytogenetic location: 6q25.2.
Variant type: single nucleotide variant.
Coding change: c.26153+5C>T on transcript NM_182961.4 (MANE Select); 5 bases into the intron after coding-DNA position 26153, C replaced by T.
Molecular consequence: intron variant.
Genome position (GRCh38, 1-based): chr6:152,130,715, G>A on the plus strand (C>T on the coding strand, the complement: SYNE1 is on the minus strand). VCF-style: chr6-152130715-G-A. GRCh37 (hg19) VCF-style: chr6-152451850-G-A.
Other names: c.26009+5C>T (NM_033071.5); c.2700+1407C>T (NM_001347701.2); c.2687+5C>T (NM_001347702.2).
Identifiers: ClinVar variation 3749241 (VCV003749241.1).

ClinVar aggregate classification (germline): Uncertain significance (1 of 4 stars; one submission).

Conditions:
Emery-Dreifuss muscular dystrophy 4, autosomal dominant (EDMD4). Also called: EMERY-DREIFUSS MUSCULAR DYSTROPHY 4 WITH VARIABLE FEATURES. Identifiers: Orphanet 261, MedGen C2751807, MONDO:0013071, OMIM 612998.
Autosomal recessive ataxia, Beauce type. Also called: Spinocerebellar ataxia, autosomal recessive 8; ATAXIA, RECESSIVE, OF BEAUCE; SYNE1-Related Autosomal Recessive Cerebellar Ataxia; SYNE1 Deficiency. Identifiers: Orphanet 88644, MedGen C1853116, MONDO:0012549, OMIM 610743.

gnomAD v4.1: 7 of 1,614,002 alleles (0.00043%); highest among the groups gnomAD compares: Middle Eastern, 0.016%; no homozygotes.

Submission:

Labcorp Genetics (formerly Invitae), Labcorp
Classification: Uncertain significance for Emery-Dreifuss muscular dystrophy 4, autosomal dominant; Autosomal recessive ataxia, Beauce type. Last evaluated: 2024-10-17. Review status: criteria provided, single submitter. Criteria: Invitae Variant Classification Sherloc (09022015). Collection method: clinical testing. Allele origin: germline.
Comment: This sequence change falls in intron 145 of the SYNE1 gene. It does not directly change the encoded amino acid sequence of the SYNE1 protein. It affects a nucleotide within the consensus splice site. This variant is present in population databases (no rsID available, gnomAD 0.003%). This variant has not been reported in the literature in individuals affected with SYNE1-related conditions. Variants that disrupt the consensus splice site are a relatively common cause of aberrant splicing (PMID: 17576681, 9536098). Algorithms developed to predict the effect of sequence changes on RNA splicing suggest that this variant is not likely to affect RNA splicing. In summary, the available evidence is currently insufficient to determine the role of this variant in disease. Therefore, it has been classified as a Variant of Uncertain Significance.

Literature cited by the submitters: PubMed 17576681; PubMed 9536098.